The following is an entry in ClinVar:

NM_015910.7(WDPCP):c.915C>T (p.Ser305=)

Gene: WDPCP (WD repeat containing planar cell polarity effector; minus strand). Cytogenetic location: 2p15.
Variant type: single nucleotide variant.
Coding change: c.915C>T on transcript NM_015910.7 (MANE Select); coding-DNA position 915, C replaced by T.
Protein change: p.Ser305=; no amino-acid change (serine 305 retained).
Molecular consequence: synonymous variant. On other transcripts: non-coding transcript variant (3).
Genome position (GRCh38, 1-based): chr2:63,404,568, G>A on the plus strand (C>T on the coding strand, the complement: WDPCP is on the minus strand). VCF-style: chr2-63404568-G-A. GRCh37 (hg19) VCF-style: chr2-63631703-G-A.
Other names: c.438C>T, p.Ser146= (NM_001042692.3); c.843C>T, p.Ser281= (NM_001354044.2); c.915C>T, p.Ser305= (NM_001354045.2).
Identifiers: ClinVar variation 704166 (VCV000704166.12), dbSNP rs370372057, ClinGen allele CA1682313.

ClinVar aggregate classification (germline): Likely benign. Review status: criteria provided, multiple submitters, no conflicts (2 of 4 stars). 3 submissions from 3 submitters: Likely benign (2). 1 of the submissions does not count toward it. Last evaluated 2025-02-26.

Conditions:
WDPCP-related disorder. Also called: WDPCP-related condition.
Bardet-Biedl syndrome (BBS). Identifiers: Orphanet 110, MedGen C0752166, MONDO:0015229.

Allele frequency attached by ClinVar (database versions not stated): ExAC 0.00003; gnomAD 0.00004; gnomAD exomes 0.00004; TOPMed 0.00007; ESP Exome Variant Server 0.00008.
gnomAD v4.1: 24 of 1,613,738 alleles (0.0015%); highest among the groups gnomAD compares: East Asian, 0.011%; no homozygotes.

Submissions (3):

Labcorp Genetics (formerly Invitae), Labcorp
Classification: Likely benign for Bardet-Biedl syndrome. Last evaluated: 2025-02-26. Review status: criteria provided, single submitter. Criteria: Invitae Variant Classification Sherloc (09022015). Collection method: clinical testing. Allele origin: germline.

Blueprint Genetics
Classification: Likely benign. Last evaluated: 2022-10-18. Review status: criteria provided, single submitter. Criteria: ACMG Guidelines, 2015. Collection method: clinical testing. Allele origin: germline.

PreventionGenetics, part of Exact Sciences
Classification: Likely benign for WDPCP-related condition. Last evaluated: 2023-12-19. Review status: no assertion criteria provided. Collection method: clinical testing. Allele origin: germline. Not counted in ClinVar's aggregate classification.
Comment: This variant is classified as likely benign based on ACMG/AMP sequence variant interpretation guidelines (Richards et al. 2015 PMID: 25741868, with internal and published modifications).